The following is an entry in ClinVar:

NM_000081.4(LYST):c.6067A>G (p.Thr2023Ala)

Gene: LYST (lysosomal trafficking regulator; minus strand). Cytogenetic location: 1q42.3.
Variant type: single nucleotide variant.
Coding change: c.6067A>G on transcript NM_000081.4 (MANE Select); coding-DNA position 6067, A replaced by G.
Protein change: p.Thr2023Ala; replaces threonine 2023 with alanine.
Molecular consequence: missense variant.
Genome position (GRCh38, 1-based): chr1:235,766,133, T>C on the plus strand (A>G on the coding strand, the complement: LYST is on the minus strand). VCF-style: chr1-235766133-T-C. GRCh37 (hg19) VCF-style: chr1-235929433-T-C.
Other names: c.6067A>G, p.Thr2023Ala (NM_001301365.1); short protein forms T2023A.
Identifiers: ClinVar variation 4750041 (VCV004750041.1).

ClinVar aggregate classification (germline): Uncertain significance (1 of 4 stars; one submission).

Conditions:
Chédiak-Higashi syndrome (CHS). Also called: Chediak-Higashi Syndrome. Identifiers: Orphanet 167, MedGen C0007965, MONDO:0008963, OMIM 214500.

gnomAD v4.1: 5 of 1,613,316 alleles (0.00031%); highest among the groups gnomAD compares: Admixed American, 0.0017%; no homozygotes.

Submission:

Labcorp Genetics (formerly Invitae), Labcorp
Classification: Uncertain significance for Chédiak-Higashi syndrome. Last evaluated: 2025-12-15. Review status: criteria provided, single submitter. Criteria: Invitae Variant Classification Sherloc (09022015). Collection method: clinical testing. Allele origin: germline.
Comment: This sequence change replaces threonine, which is neutral and polar, with alanine, which is neutral and non-polar, at codon 2023 of the LYST protein (p.Thr2023Ala). This variant is present in population databases (rs147431549, gnomAD 0.004%). This variant has not been reported in the literature in individuals affected with LYST-related conditions. Invitae Evidence Modeling of protein sequence and biophysical properties (such as structural, functional, and spatial information, amino acid conservation, physicochemical variation, residue mobility, and thermodynamic stability) indicates that this missense variant is not expected to disrupt LYST protein function with a negative predictive value of 80%. In summary, the available evidence is currently insufficient to determine the role of this variant in disease. Therefore, it has been classified as a Variant of Uncertain Significance.